The following is an entry in ClinVar:

NM_024675.4(PALB2):c.2074C>T (p.Gln692Ter)

Gene: PALB2 (partner and localizer of BRCA2; minus strand). Cytogenetic location: 16p12.2.
Variant type: single nucleotide variant.
Coding change: c.2074C>T on transcript NM_024675.4 (MANE Select); coding-DNA position 2074, C replaced by T.
Protein change: p.Gln692Ter; replaces glutamine 692 with a stop codon.
Molecular consequence: nonsense.
Genome position (GRCh38, 1-based): chr16:23,630,080, G>A on the plus strand (C>T on the coding strand, the complement: PALB2 is on the minus strand). VCF-style: chr16-23630080-G-A. GRCh37 (hg19) VCF-style: chr16-23641401-G-A.
Other names: NM_024675.3(PALB2):c.2074C>T; p.Gln692Ter; short protein forms Q692*.
Identifiers: ClinVar variation 143966 (VCV000143966.43), dbSNP rs587776415, ClinGen allele CA294556.
Genomic context (GRCh38, chr16:23,630,080, plus strand): 5'-CAACCGTATTTAAAGGAGTATAAAGTAATATGGATGAAGAAAGGCCCGTCTTTGTATGCT[G>A]GCTTTGCGAGTTTGGCCTTTTGGGATGTGATTTTCCTGGTAGAACAATAAGGTCCTCTTC-3'

ClinVar aggregate classification (germline): Likely pathogenic. Review status: reviewed by expert panel (3 of 4 stars). 9 submissions from 9 submitters: Likely pathogenic (1). 8 of the submissions do not count toward it. Last evaluated 2023-04-05.

Conditions:
Breast-ovarian cancer, familial, susceptibility to, 5 (BROVCA5). Identifiers: MedGen C5830615, MONDO:0957530, OMIM 620442.
PALB2-related cancer predisposition. Identifiers: MedGen CN377761, MONDO:0700272.
Hereditary cancer-predisposing syndrome. Also called: Hereditary Cancer Syndrome; Neoplastic Syndromes, Hereditary; Hereditary neoplastic syndrome; Tumor predisposition. Identifiers: Orphanet 140162, MedGen C0027672, MeSH D009386, MONDO:0015356.
Hereditary breast ovarian cancer syndrome. Also called: BRCA1- and BRCA2-Associated Hereditary Breast and Ovarian Cancer; Hereditary breast and ovarian cancer syndrome; Hereditary breast and/or ovarian cancer syndrome; Breast and ovarian cancer; Hereditary breast and ovarian cancer; Hereditary breast and ovarian cancer syndrome (HBOC). Identifiers: Orphanet 145, MedGen C0677776, MeSH D061325, MONDO:0003582. Disease mechanism: loss of function.
Familial cancer of breast. Also called: BREAST CANCER, FAMILIAL; Hereditary breast cancer; hereditary breast carcinoma. Identifiers: Orphanet 227535, MedGen C0346153, MONDO:0016419, OMIM 114480. Disease mechanism: loss of function.

Allele frequency attached by ClinVar (database versions not stated): gnomAD exomes below 0.00001 and 0.00001; ExAC 0.00001; TOPMed 0.00001.
gnomAD v4.1: 3 of 1,614,168 alleles (0.00019%); highest among the groups gnomAD compares: Non-Finnish European, 0.00025%; no homozygotes.

Submissions (9):

ClinGen Hereditary Breast, Ovarian and Pancreatic Cancer Variant Curation Expert Panel, ClinGen
Classification: Likely pathogenic for PALB2-related cancer predisposition. Last evaluated: 2023-04-05. Review status: reviewed by expert panel. Criteria: ClinGen HBOP VCEP ACMG Specifications PALB2 V1.0.0. Collection method: curation. Allele origin: germline. Inheritance: Autosomal dominant inheritance.
Comment: The c.2074C>T (p.Gln692Ter) variant in PALB2 is a nonsense variant predicted to cause a premature stop codon in biologically-relevant-exon 5 leading to nonsense mediated decay in a gene in which loss-of-function is an established disease mechanism. This alteration results in a termination codon upstream of the most C-terminal pathogenic alteration (PALB2 p.Tyr1183*), as classified by the HBOP VCEP, and is expected to be more deleterious. The highest population minor allele frequency in gnomAD v2.1.1 is 0.000009 in the non-Finnish European population (PM2_Supporting, BS1, and BA1 are not met). In summary, this variant meets the criteria to be classified as likely pathogenic for autosomal dominant hereditary breast and ovarian cancer and autosomal recessive FANCN based on the ACMG/AMP criteria applied, as specified by the HBOP VCEP. (PVS1, PM5_Supporting)

Clinical Genetics Laboratory, Skane University Hospital Lund
Classification: Likely pathogenic for Breast-ovarian cancer, familial, susceptibility to, 5. Last evaluated: 2025-11-04. Review status: criteria provided, single submitter. Criteria: ACMG Guidelines, 2015. Collection method: clinical testing. Allele origin: germline. Affected: yes. Not counted in ClinVar's aggregate classification.
Comment: Expert classed as LP: PVS1, PM5_Supporting

Ambry Genetics
Classification: Pathogenic for Hereditary cancer-predisposing syndrome. Last evaluated: 2025-10-09. Review status: criteria provided, single submitter. Criteria: Ambry Variant Classification Scheme 2023. Collection method: clinical testing. Allele origin: germline. Not counted in ClinVar's aggregate classification.
Comment: The p.Q692* pathogenic mutation (also known as c.2074C>T), located in coding exon 5 of the PALB2 gene, results from a C to T substitution at nucleotide position 2074. This changes the amino acid from a glutamine to a stop codon within coding exon 5. This variant is considered to be rare based on population cohorts in the Genome Aggregation Database (gnomAD). This alteration is expected to result in loss of function by premature protein truncation or nonsense-mediated mRNA decay. As such, this alteration is interpreted as a disease-causing mutation.

Labcorp Genetics (formerly Invitae), Labcorp
Classification: Pathogenic for Familial cancer of breast. Last evaluated: 2024-08-07. Review status: criteria provided, single submitter. Criteria: Invitae Variant Classification Sherloc (09022015). Collection method: clinical testing. Allele origin: germline. Not counted in ClinVar's aggregate classification.
Comment: This sequence change creates a premature translational stop signal (p.Gln692*) in the PALB2 gene. It is expected to result in an absent or disrupted protein product. Loss-of-function variants in PALB2 are known to be pathogenic (PMID: 17200668, 17200671, 17200672, 24136930, 25099575). This variant is present in population databases (rs587776415, gnomAD 0.0009%). This premature translational stop signal has been observed in individual(s) with breast cancer (PMID: 24556926, 25099575). ClinVar contains an entry for this variant (Variation ID: 143966). For these reasons, this variant has been classified as Pathogenic.

Myriad Genetics, Inc.
Classification: Pathogenic for Familial cancer of breast. Last evaluated: 2023-09-12. Review status: criteria provided, single submitter. Criteria: Myriad Autosomal Dominant, Autosomal Recessive and X-Linked Classification Criteria (2023). Collection method: clinical testing. Allele origin: unknown. Not counted in ClinVar's aggregate classification.
Comment: This variant is considered pathogenic. This variant creates a termination codon and is predicted to result in premature protein truncation.

Color Diagnostics, LLC DBA Color Health
Classification: Pathogenic for Hereditary cancer-predisposing syndrome. Last evaluated: 2020-01-15. Review status: criteria provided, single submitter. Criteria: ACMG Guidelines, 2015. Collection method: clinical testing. Allele origin: germline. Not counted in ClinVar's aggregate classification.
Comment: This variant changes 1 nucleotide in exon 5 of the PALB2 gene, creating a premature translation stop signal. This variant is expected to result in an absent or non-functional protein product. This variant has been identified in 1/251478 chromosomes in the general population by the Genome Aggregation Database (gnomAD). Loss of PALB2 function is a known mechanism of disease. Based on the available evidence, this variant is classified as Pathogenic.

BRCAlab, Lund University
Classification: Pathogenic for Hereditary breast ovarian cancer syndrome. Last evaluated: 2022-08-26. Review status: no assertion criteria provided. Collection method: clinical testing. Allele origin: germline. Affected: yes. Not counted in ClinVar's aggregate classification.

Leiden Open Variation Database
Classification: Pathogenic for Familial cancer of breast. Last evaluated: 2019-05-13. Review status: no assertion criteria provided. Collection method: curation. Allele origin: germline. Affected: yes. Not counted in ClinVar's aggregate classification.
Comment: Curators: Marc Tischkowitz, Arleen D. Auerbach. Submitter to LOVD: Marc Tischkowitz.

SNPedia
Classification: Pathogenic. Review status: no assertion criteria provided. Collection method: not provided. Allele origin: germline. Not counted in ClinVar's aggregate classification.
ClinVar note: Converted during submission from pathogenic to Pathogenic.

Literature cited by the submitters: PubMed 17200668 (cited by Labcorp Genetics (formerly Invitae), Labcorp); PubMed 17200671 (cited by Labcorp Genetics (formerly Invitae), Labcorp); PubMed 17200672 (cited by Labcorp Genetics (formerly Invitae), Labcorp); PubMed 24136930 (cited by Labcorp Genetics (formerly Invitae), Labcorp); PubMed 25099575 (cited by Labcorp Genetics (formerly Invitae), Labcorp and Leiden Open Variation Database); PubMed 24556926 (cited by Labcorp Genetics (formerly Invitae), Labcorp and Leiden Open Variation Database).